The following is an entry in ClinVar:

ClinVar aggregate classification (germline): Uncertain significance (1 of 4 stars; one submission).

gnomAD v4.1: 1 of 1,208,814 alleles (0.000083%); highest among the groups gnomAD compares: Admixed American, 0.0022%; no homozygotes.

Submission:

CeGaT Center for Human Genetics Tuebingen
Classification: Uncertain significance. Last evaluated: 2026-07-01. Review status: criteria provided, single submitter. Criteria: CeGaT Center For Human Genetics Tuebingen Variant Classification Criteria Version 2. Collection method: clinical testing. Allele origin: germline. Affected: yes. Observed: 1 variant allele.
Comment: SMPX: PM2, BP4

NM_014332.3(SMPX):c.152A>T (p.Asp51Val)

Gene: SMPX (small muscle protein X-linked; minus strand). Cytogenetic location: Xp22.12.
Variant type: single nucleotide variant.
Coding change: c.152A>T on transcript NM_014332.3 (MANE Select); coding-DNA position 152, A replaced by T.
Protein change: p.Asp51Val; replaces aspartic acid 51 with valine.
Molecular consequence: missense variant. On other transcripts: non-coding transcript variant (1).
Genome position (GRCh38, 1-based): chrX:21,737,678, T>A on the plus strand (A>T on the coding strand, the complement: SMPX is on the minus strand). VCF-style: chrX-21737678-T-A. GRCh37 (hg19) VCF-style: chrX-21755796-T-A.
Other names: short protein forms D51V.
Identifiers: ClinVar variation 5040074 (VCV005040074.1).